The following is an entry in ClinVar:

ClinVar aggregate classification (germline): Uncertain significance (1 of 4 stars; one submission).

Conditions:
Hereditary cancer-predisposing syndrome. Also called: Neoplastic Syndromes, Hereditary; Tumor predisposition; Hereditary Cancer Syndrome; Hereditary neoplastic syndrome. Identifiers: Orphanet 140162, MedGen C0027672, MeSH D009386, MONDO:0015356.

Submission:

Ambry Genetics
Classification: Uncertain significance for Hereditary cancer-predisposing syndrome. Last evaluated: 2026-02-23. Review status: criteria provided, single submitter. Criteria: Ambry Variant Classification Scheme 2023. Collection method: clinical testing. Allele origin: germline.
Comment: The p.L1012M variant (also known as c.3034C>A), located in coding exon 21 of the PDGFRA gene, results from a C to A substitution at nucleotide position 3034. The leucine at codon 1012 is replaced by methionine, an amino acid with highly similar properties. This amino acid position is conserved. In addition, this alteration is predicted to be tolerated by in silico analysis. Based on the available evidence, the clinical significance of this variant remains unclear.

NM_006206.6(PDGFRA):c.3034C>A (p.Leu1012Met)

Gene: PDGFRA (platelet derived growth factor receptor alpha; plus strand). Cytogenetic location: 4q12.
Variant type: single nucleotide variant.
Coding change: c.3034C>A on transcript NM_006206.6 (MANE Select); coding-DNA position 3034, C replaced by A.
Protein change: p.Leu1012Met; replaces leucine 1012 with methionine.
Molecular consequence: missense variant.
Genome position (GRCh38, 1-based): chr4:54,290,466, C>A. VCF-style: chr4-54290466-C-A. GRCh37 (hg19) VCF-style: chr4-55156633-C-A.
Other names: c.3109C>A, p.Leu1037Met (NM_001347828.2); c.3034C>A, p.Leu1012Met (NM_001347829.2); c.3073C>A, p.Leu1025Met (NM_001347830.2); short protein forms L1025M, L1037M, L1012M.
Identifiers: ClinVar variation 4827554 (VCV004827554.1).